The following is an entry in ClinVar:

ClinVar aggregate classification (germline): Uncertain significance. Review status: criteria provided, multiple submitters, no conflicts (2 of 4 stars). 4 submissions from 4 submitters: Uncertain significance (4). Last evaluated 2025-03-12.

Conditions:
Hereditary cancer-predisposing syndrome. Also called: Tumor predisposition; Hereditary Cancer Syndrome; Hereditary neoplastic syndrome; Neoplastic Syndromes, Hereditary. Identifiers: Orphanet 140162, MedGen C0027672, MeSH D009386, MONDO:0015356.
Hereditary breast ovarian cancer syndrome. Also called: Hereditary breast and ovarian cancer; Hereditary breast and/or ovarian cancer syndrome; BRCA1- and BRCA2-Associated Hereditary Breast and Ovarian Cancer; Hereditary breast and ovarian cancer syndrome; Hereditary breast and ovarian cancer syndrome (HBOC); Breast and ovarian cancer. Identifiers: Orphanet 145, MedGen C0677776, MeSH D061325, MONDO:0003582. Disease mechanism: loss of function.

Allele frequency attached by ClinVar (database versions not stated): gnomAD 0.00001; TOPMed 0.00001.
gnomAD v4.1: 2 of 1,605,314 alleles (0.00012%); highest among the groups gnomAD compares: African/African-American, 0.0027%; no homozygotes.

Submissions (4):

Labcorp Genetics (formerly Invitae), Labcorp
Classification: Uncertain significance for Hereditary breast ovarian cancer syndrome. Last evaluated: 2025-03-12. Review status: criteria provided, single submitter. Criteria: Invitae Variant Classification Sherloc (09022015). Collection method: clinical testing. Allele origin: germline.
Comment: This sequence change falls in intron 6 of the BRCA1 gene. It does not directly change the encoded amino acid sequence of the BRCA1 protein. It affects a nucleotide within the consensus splice site. This variant is not present in population databases (gnomAD no frequency). This variant has not been reported in the literature in individuals affected with BRCA1-related conditions. ClinVar contains an entry for this variant (Variation ID: 409351). Variants that disrupt the consensus splice site are a relatively common cause of aberrant splicing (PMID: 17576681, 9536098). Studies have shown this variant is associated with the in-frame loss of one amino acid residue, but one or more of the resulting mRNA isoform(s) may be naturally occurring (internal data). In summary, the available evidence is currently insufficient to determine the role of this variant in disease. Therefore, it has been classified as a Variant of Uncertain Significance.

Ambry Genetics
Classification: Uncertain significance for Hereditary cancer-predisposing syndrome. Last evaluated: 2021-11-01. Review status: criteria provided, single submitter. Criteria: Ambry Variant Classification Scheme 2023. Collection method: clinical testing. Allele origin: germline.
Comment: The c.442-3T>C intronic variant results from a T to C substitution 3 nucleotides upstream from coding exon 6 in the BRCA1 gene. This nucleotide position is highly conserved in available vertebrate species. In silico splice site analysis predicts that this alteration will not have any significant effect on splicing. Alterations at this particular splice acceptor site result in an in-frame loss of a single amino acid at the beginning of coding exon 6 (Ambry internal data). This single amino acid loss is a naturally occurring isoform and may be referred to as &Delta;8p in some literature (Colombo M et al. Hum Mol Genet. 2014; 23:3666-80). The functional and clinical significance of this single amino acid loss is unknown. Since supporting evidence is limited at this time, the clinical significance of this alteration remains unclear.

Quest Diagnostics Nichols Institute San Juan Capistrano
Classification: Uncertain significance. Last evaluated: 2021-03-16. Review status: criteria provided, single submitter. Criteria: Quest Diagnostics criteria. Collection method: clinical testing. Allele origin: unknown.

GeneDx
Classification: Uncertain significance. Last evaluated: 2017-01-02. Review status: criteria provided, single submitter. Criteria: GeneDx Variant Classification (06012015). Collection method: clinical testing. Allele origin: germline. Affected: yes.
Comment: This variant is denoted BRCA1 c.442-3T>C or IVS6-3T>C and consists of a T>C nucleotide substitution at the -3 position of intron 6 of the BRCA1 gene. Using alternate nomenclature, this variant would be defined as BRCA1 561-3T>C. This variant has not, to our knowledge, been published in the literature as pathogenic or benign. BRCA1 c.442-3T>C was not observed in approximately 6,500 individuals of European and African American ancestry in the NHLBI Exome Sequencing Project, suggesting it is not a common benign variant in these populations. The thymine (T) nucleotide that is altered is conserved across species. In silico models are inconclusive with respect to splicing, and in the absence of RNA or functional studies, the actual effect of this variant is unknown. Based on currently available evidence, it is unclear whether BRCA1 c.442-3T>C is a pathogenic or benign variant. We consider it to be a variant of uncertain significance.

Literature cited by the submitters: PubMed 17576681 (cited by Labcorp Genetics (formerly Invitae), Labcorp); PubMed 9536098 (cited by Labcorp Genetics (formerly Invitae), Labcorp); PubMed 9167459 (cited by Quest Diagnostics Nichols Institute San Juan Capistrano); PubMed 16400609 (cited by Quest Diagnostics Nichols Institute San Juan Capistrano).

NM_007294.4(BRCA1):c.442-3T>C

Gene: BRCA1 (BRCA1 DNA repair associated; minus strand). Cytogenetic location: 17q21.31.
Variant type: single nucleotide variant.
Coding change: c.442-3T>C on transcript NM_007294.4 (MANE Select); 3 bases into the intron before coding-DNA position 442, T replaced by C.
Molecular consequence: intron variant.
Genome position (GRCh38, 1-based): chr17:43,099,883, A>G on the plus strand (T>C on the coding strand, the complement: BRCA1 is on the minus strand). VCF-style: chr17-43099883-A-G. GRCh37 (hg19) VCF-style: chr17-41251900-A-G.
Other names: c.232-3T>C (NM_001408483.1, NM_001408513.1, NM_001408507.1 and 37 more transcripts); c.442-6T>C (NM_001407634.1, NM_001407610.1, NM_001408495.1 and 65 more transcripts); c.442-3T>C (NM_001407621.1, NM_001407593.1, NM_001408442.1 and 96 more transcripts); c.301-6T>C (NM_001407846.1, NM_001408503.1, NM_001407943.1 and 35 more transcripts); c.301-3T>C (NM_001407726.1, NM_001408500.1, NM_001407921.1 and 61 more transcripts); c.-218-5023T>C (NM_001407966.1, NM_001407967.1); c.61-3T>C (NM_001407963.1, NM_001407960.1, NM_001407965.1 and 3 more transcripts); c.232-6T>C (NM_001407899.1, NM_001407958.1, NM_001407955.1 and 18 more transcripts); and 5 more.
Identifiers: ClinVar variation 409351 (VCV000409351.17), dbSNP rs8176139, ClinGen allele CA16615437.